The following is an entry in ClinVar:

NC_000005.10:g.(?_178981657)_(178981854_?)del

Gene: GRM6 (glutamate metabotropic receptor 6; minus strand). Cytogenetic location: 5q35.3.
Variant type: Deletion.
Identifiers: ClinVar variation 832177 (VCV000832177.6).

ClinVar aggregate classification (germline): Uncertain significance (1 of 4 stars; one submission).

Submission:

Labcorp Genetics (formerly Invitae), Labcorp
Classification: Uncertain significance. Last evaluated: 2022-03-29. Review status: criteria provided, single submitter. Criteria: Invitae Variant Classification Sherloc (09022015). Collection method: clinical testing. Allele origin: germline.
Comment: In summary, the available evidence is currently insufficient to determine the role of this variant in disease. Therefore, it has been classified as a Variant of Uncertain Significance. Experimental studies and prediction algorithms are not available or were not evaluated, and the functional significance of this variant is currently unknown. This variant has not been reported in the literature in individuals affected with GRM6-related conditions. This variant is a gross deletion of the genomic region encompassing exon(s) 10 of the GRM6 gene, which includes the termination codon. This deletion extends beyond the assayed region for this gene and therefore may encompass additional genes. While this deletion is not anticipated to lead to nonsense mediated decay, it is expected to alter mRNA translation or result in a truncated protein product.